The following is an entry in ClinVar:

ClinVar aggregate classification (germline): Uncertain significance (1 of 4 stars; one submission).

Conditions:
Hereditary spastic paraplegia 30. Identifiers: Orphanet 101010, MedGen C5235139, MONDO:0012476.
Neuropathy, hereditary sensory, type 2C. Also called: KIF1A-Related HSAN2 (HSAN2C); Hereditary sensory and autonomic neuropathy type IIC. Identifiers: Orphanet 970, MedGen C3280168, MONDO:0013634, OMIM 614213.
Intellectual disability, autosomal dominant 9 (NESCAVS). Also called: KIF1A-Related Neurodevelopmental Disorder; NESCAV SYNDROME. Identifiers: Orphanet 662367, MedGen C5393830, MONDO:0013656, OMIM 614255.

Submission:

Labcorp Genetics (formerly Invitae), Labcorp
Classification: Uncertain significance for Hereditary spastic paraplegia 30; Neuropathy, hereditary sensory, type 2C; Intellectual disability, autosomal dominant 9. Last evaluated: 2022-08-09. Review status: criteria provided, single submitter. Criteria: Invitae Variant Classification Sherloc (09022015). Collection method: clinical testing. Allele origin: germline.
Comment: Advanced modeling of protein sequence and biophysical properties (such as structural, functional, and spatial information, amino acid conservation, physicochemical variation, residue mobility, and thermodynamic stability) performed at Invitae indicates that this missense variant is not expected to disrupt KIF1A protein function. ClinVar contains an entry for this variant (Variation ID: 1512060). This variant has not been reported in the literature in individuals affected with KIF1A-related conditions. This variant is not present in population databases (gnomAD no frequency). This sequence change replaces arginine, which is basic and polar, with proline, which is neutral and non-polar, at codon 1261 of the KIF1A protein (p.Arg1261Pro). In summary, the available evidence is currently insufficient to determine the role of this variant in disease. Therefore, it has been classified as a Variant of Uncertain Significance.

NM_001244008.2(KIF1A):c.4085G>C (p.Arg1362Pro)

Gene: KIF1A (kinesin family member 1A; minus strand). Cytogenetic location: 2q37.3.
Variant type: single nucleotide variant.
Coding change: c.4085G>C on transcript NM_001244008.2 (MANE Select); coding-DNA position 4085, G replaced by C.
Protein change: p.Arg1362Pro; replaces arginine 1362 with proline.
Molecular consequence: missense variant.
Genome position (GRCh38, 1-based): chr2:240,726,863, C>G on the plus strand (G>C on the coding strand, the complement: KIF1A is on the minus strand). VCF-style: chr2-240726863-C-G. GRCh37 (hg19) VCF-style: chr2-241666280-C-G.
Other names: c.3809G>C, p.Arg1270Pro (NM_001320705.2, NM_001379649.1); c.3836G>C, p.Arg1279Pro (NM_001330289.2); c.3884G>C, p.Arg1295Pro (NM_001330290.2, NM_001379648.1); c.4160G>C, p.Arg1387Pro (NM_001379631.1); c.4061G>C, p.Arg1354Pro (NM_001379632.1); c.4058G>C, p.Arg1353Pro (NM_001379633.1, NM_001379645.1); c.3911G>C, p.Arg1304Pro (NM_001379634.1); c.3908G>C, p.Arg1303Pro (NM_001379635.1, NM_001379646.1); and 7 more; short protein forms R1261P, R1269P, R1270P, R1278P, R1279P, R1304P, R1353P, R1286P.
Identifiers: ClinVar variation 1512060 (VCV001512060.8), dbSNP rs753620726, ClinGen allele CA351309151.